The following is an entry in ClinVar:

NM_000059.4(BRCA2):c.6825del (p.Glu2275fs)

Gene: BRCA2 (BRCA2 DNA repair associated; plus strand). Cytogenetic location: 13q13.1.
Variant type: Deletion.
Coding change: c.6825del on transcript NM_000059.4 (MANE Select); coding-DNA position 6825, one base deleted (G; older notation c.6825delG).
Protein change: p.Glu2275fs; shifts the reading frame from glutamic acid 2275.
Molecular consequence: frameshift variant.
Genome position (GRCh38, 1-based): chr13:32,341,180, G deleted. VCF-style (leftmost placement, unchanged base first): chr13-32341179-AG-A. GRCh37 (hg19) VCF-style: chr13-32915316-AG-A.
Other names: 7053delG; c.6825delG (NM_000059.3).
Identifiers: ClinVar variation 236282 (VCV000236282.3), dbSNP rs878853302, ClinGen allele CA10581591.

ClinVar aggregate classification (germline): Pathogenic. Review status: reviewed by expert panel (3 of 4 stars). 2 submissions from 2 submitters: Pathogenic (1). 1 of the submissions does not count toward it. Last evaluated 2016-04-22.

Conditions:
Breast-ovarian cancer, familial, susceptibility to, 2 (BROVCA2). Also called: BRCA2 Hereditary Breast and Ovarian Cancer. Identifiers: Orphanet 145, MedGen C2675520, MONDO:0012933, OMIM 612555. Disease mechanism: loss of function.

Submissions (2):

Evidence-based Network for the Interpretation of Germline Mutant Alleles (ENIGMA)
Classification: Pathogenic for Breast-ovarian cancer, familial, susceptibility to, 2. Last evaluated: 2016-04-22. Review status: reviewed by expert panel. Criteria: ENIGMA BRCA1/2 Classification Criteria (2015). Collection method: curation. Allele origin: germline.
Comment: Variant allele predicted to encode a truncated non-functional protein.

Consortium of Investigators of Modifiers of BRCA1/2 (CIMBA), c/o University of Cambridge
Classification: Pathogenic for Breast-ovarian cancer, familial, susceptibility to, 2. Last evaluated: 2015-10-02. Review status: criteria provided, single submitter. Criteria: CIMBA Mutation Classification guidelines May 2016. Collection method: clinical testing. Allele origin: germline. Not counted in ClinVar's aggregate classification.